The following is an entry in ClinVar:

ClinVar aggregate classification (germline): Likely pathogenic (1 of 4 stars; one submission).

Allele frequency attached by ClinVar (database versions not stated): ExAC 0.00001.
gnomAD v4.1: 1 of 1,606,576 alleles (0.000062%); highest among the groups gnomAD compares: Non-Finnish European, 0.000085%; no homozygotes.

Submission:

Labcorp Genetics (formerly Invitae), Labcorp
Classification: Likely pathogenic. Last evaluated: 2025-05-04. Review status: criteria provided, single submitter. Criteria: Invitae Variant Classification Sherloc (09022015). Collection method: clinical testing. Allele origin: germline.
Comment: This sequence change affects an acceptor splice site in intron 56 of the DNAH9 gene. It is expected to disrupt RNA splicing. Variants that disrupt the donor or acceptor splice site typically lead to a loss of protein function (PMID: 16199547), and loss-of-function variants in DNAH9 are known to be pathogenic (PMID: 30471718). This variant is not present in population databases (gnomAD no frequency). This variant has not been reported in the literature in individuals affected with DNAH9-related conditions. ClinVar contains an entry for this variant (Variation ID: 1968306). Algorithms developed to predict the effect of sequence changes on RNA splicing suggest that this variant may disrupt the consensus splice site. In summary, the currently available evidence indicates that the variant is pathogenic, but additional data are needed to prove that conclusively. Therefore, this variant has been classified as Likely Pathogenic.

Literature cited by the submitters: PubMed 16199547; PubMed 30471718.

NM_001372.4(DNAH9):c.10972-1G>C

Gene: DNAH9 (dynein axonemal heavy chain 9; plus strand). Cytogenetic location: 17p12.
Variant type: single nucleotide variant.
Coding change: c.10972-1G>C on transcript NM_001372.4 (MANE Select); the canonical splice acceptor site of the intron before coding-DNA position 10972, G replaced by C.
Molecular consequence: splice acceptor variant.
Genome position (GRCh38, 1-based): chr17:11,886,824, G>C. VCF-style: chr17-11886824-G-C. GRCh37 (hg19) VCF-style: chr17-11790141-G-C.
Other names: c.-93-1G>C (NM_004662.2).
Identifiers: ClinVar variation 1968306 (VCV001968306.5), dbSNP rs777227983, ClinGen allele CA8397697.